The following is an entry in ClinVar:

ClinVar aggregate classification (germline): Uncertain significance. Review status: criteria provided, multiple submitters, no conflicts (2 of 4 stars). 2 submissions from 2 submitters: Uncertain significance (2). Last evaluated 2024-11-15.

Conditions:
Inborn genetic diseases. Identifiers: MedGen C0950123, MeSH D030342.

Allele frequency attached by ClinVar (database versions not stated): gnomAD exomes 0.00001; TOPMed 0.00001; gnomAD 0.00002.
gnomAD v4.1: 15 of 1,534,916 alleles (0.00098%); highest among the groups gnomAD compares: Middle Eastern, 0.033%; no homozygotes.

Submissions (2):

Ambry Genetics
Classification: Uncertain significance for Inborn genetic diseases. Last evaluated: 2024-11-15. Review status: criteria provided, single submitter. Criteria: Ambry Variant Classification Scheme 2023. Collection method: clinical testing. Allele origin: germline.

CeGaT Center for Human Genetics Tuebingen
Classification: Uncertain significance. Last evaluated: 2024-03-01. Review status: criteria provided, single submitter. Criteria: CeGaT Center For Human Genetics Tuebingen Variant Classification Criteria Version 2. Collection method: clinical testing. Allele origin: germline. Affected: yes. Observed: 1 variant allele.
Comment: PIEZO2: PM5, PP3

NM_001378183.1(PIEZO2):c.5228G>A (p.Arg1743Gln)

Gene: PIEZO2 (piezo type mechanosensitive ion channel component 2; minus strand). Cytogenetic location: 18p11.22.
Variant type: single nucleotide variant.
Coding change: c.5228G>A on transcript NM_001378183.1 (MANE Select); coding-DNA position 5228, G replaced by A.
Protein change: p.Arg1743Gln; replaces arginine 1743 with glutamine.
Molecular consequence: missense variant.
Genome position (GRCh38, 1-based): chr18:10,715,678, C>T on the plus strand (G>A on the coding strand, the complement: PIEZO2 is on the minus strand). VCF-style: chr18-10715678-C-T. GRCh37 (hg19) VCF-style: chr18-10715676-C-T.
Other names: c.5054G>A (NM_022068.2); c.5129G>A, p.Arg1710Gln (NM_001410871.1); c.5054G>A, p.Arg1685Gln (NM_022068.4); short protein forms R1685Q, R1710Q, R1743Q.
Identifiers: ClinVar variation 3067380 (VCV003067380.22), dbSNP rs886039823, ClinGen allele CA401912848.
Genomic context (GRCh38, chr18:10,715,678, plus strand): 5'-AGGAGCAAAAAGAATTACACCAGCAGTGTTACCTTCTTAATTTCTCTGGTCAGCATGCAT[C>T]GTTCAATTCTCAGAACTGTAGATATATCAATATGCTCCCTTGAAATGGAGTTAAGCCAAG-3'
Protein context (NP_001365112.1, residues 1733-1753): IDISTVLRIE[Arg1743Gln]CMLTREIKKG